The following is an entry in ClinVar:

NM_001013703.4(EIF2AK4):c.144+1164T>A

Gene: EIF2AK4 (eukaryotic translation initiation factor 2 alpha kinase 4; plus strand). Cytogenetic location: 15q15.1.
Variant type: single nucleotide variant.
Coding change: c.144+1164T>A on transcript NM_001013703.4 (MANE Select); 1164 bases into the intron after coding-DNA position 144, T replaced by A.
Molecular consequence: intron variant.
Genome position (GRCh38, 1-based): chr15:39,935,503, T>A. VCF-style: chr15-39935503-T-A. GRCh37 (hg19) VCF-style: chr15-40227704-T-A.
Identifiers: ClinVar variation 4845517 (VCV004845517.1).

ClinVar aggregate classification (germline): Uncertain significance (1 of 4 stars; one submission).

gnomAD v4.1: 77 of 152,286 alleles (0.051%); highest among the groups gnomAD compares: Non-Finnish European, 0.071%; no homozygotes.

Submission:

Greenwood Genetic Center Diagnostic Laboratories, Greenwood Genetic Center
Classification: Uncertain significance. Last evaluated: 2025-12-08. Review status: criteria provided, single submitter. Criteria: ACMG Guidelines, 2015. Collection method: clinical testing. Allele origin: germline. Affected: yes.
Comment: PM2, BP4